The following is an entry in ClinVar:

ClinVar aggregate classification (germline): Pathogenic/Likely pathogenic. Review status: criteria provided, multiple submitters, no conflicts (2 of 4 stars). 6 submissions from 6 submitters: Pathogenic (3); Likely pathogenic (2). 1 of the submissions does not count toward it. Last evaluated 2023-10-17.

Conditions:
Biotinidase deficiency. Also called: Biotin deficiency; BTD deficiency; Late-onset biotin-responsive multiple carboxylase deficiency. Identifiers: Orphanet 79241, MedGen C0220754, MONDO:0009665, OMIM 253260.

Allele frequency attached by ClinVar (database versions not stated): gnomAD 0.00001; TOPMed 0.00001; gnomAD exomes 0.00002 and 0.00001; ExAC 0.00002.
gnomAD v4.1: 29 of 1,614,026 alleles (0.0018%); highest among the groups gnomAD compares: African/African-American, 0.0027%; no homozygotes.

Submissions (6):

Labcorp Genetics (formerly Invitae), Labcorp
Classification: Pathogenic for Biotinidase deficiency. Last evaluated: 2023-10-17. Review status: criteria provided, single submitter. Criteria: Invitae Variant Classification Sherloc (09022015). Collection method: clinical testing. Allele origin: germline.
Comment: This sequence change replaces cysteine, which is neutral and slightly polar, with tyrosine, which is neutral and polar, at codon 245 of the BTD protein (p.Cys245Tyr). This variant is present in population databases (rs397507175, gnomAD 0.002%). This missense change has been observed in individual(s) with biotinidase deficiency (PMID: 15776412, 28971021). In at least one individual the data is consistent with being in trans (on the opposite chromosome) from a pathogenic variant. ClinVar contains an entry for this variant (Variation ID: 38281). Advanced modeling of protein sequence and biophysical properties (such as structural, functional, and spatial information, amino acid conservation, physicochemical variation, residue mobility, and thermodynamic stability) performed at Invitae indicates that this missense variant is expected to disrupt BTD protein function. For these reasons, this variant has been classified as Pathogenic.

Baylor Genetics
Classification: Pathogenic for Biotinidase deficiency. Last evaluated: 2023-10-12. Review status: criteria provided, single submitter. Criteria: ACMG Guidelines, 2015. Collection method: clinical testing. Allele origin: unknown.

ARUP Laboratories, Molecular Genetics and Genomics, ARUP Laboratories
Classification: Likely pathogenic for Biotinidase deficiency. Last evaluated: 2022-02-22. Review status: criteria provided, single submitter. Criteria: ARUP Molecular Germline Variant Investigation Process 2021. Collection method: clinical testing. Allele origin: germline.
Comment: The BTD c.734G>A; p.Cys245Tyr variant (rs397507175) is reported in the literature in multiple individuals affected with profound biotinidase deficiency usually (Jay 2015, Porta 2017, Wolf 2005). This variant is reported in ClinVar (Variation ID: 38281) and is only observed on two alleles in the Genome Aggregation Database, indicating it is not a common polymorphism. The cysteine at codon 245 is highly conserved, and computational analyses predict that this variant is deleterious (REVEL: 0.924). Based on available information, this variant is considered to be likely pathogenic. References: Jay AM et al. Outcomes of individuals with profound and partial biotinidase deficiency ascertained by newborn screening in Michigan over 25 years. Genet Med. 2015 Mar;17(3):205-9. PMID: 25144890. Porta F et al. Neonatal screening for biotinidase deficiency: A 30-year single center experience. Mol Genet Metab Rep. 2017 Sep 20;13:80-82. PMID: 28971021. Wolf B et al. Biotinidase deficiency: novel mutations and their biochemical and clinical correlates. Hum Mutat. 2005 Apr;25(4):413. PMID: 15776412.

Revvity Omics, Revvity
Classification: Pathogenic for Biotinidase deficiency. Last evaluated: 2019-08-05. Review status: criteria provided, single submitter. Criteria: ACMG Guidelines, 2015. Collection method: clinical testing. Allele origin: germline.

Eurofins Ntd Llc (ga)
Classification: Likely pathogenic. Last evaluated: 2015-03-17. Review status: criteria provided, single submitter. Criteria: EGL Classification Definitions 2015. Collection method: clinical testing. Allele origin: germline. Observed: 1 variant allele, 1 heterozygote.

Counsyl
Classification: Likely pathogenic for Biotinidase deficiency. Last evaluated: 2019-03-02. Review status: no assertion criteria provided. Collection method: clinical testing. Allele origin: unknown. Not counted in ClinVar's aggregate classification.

Literature cited by the submitters: PubMed 15776412 (cited by Labcorp Genetics (formerly Invitae), Labcorp and Counsyl); PubMed 28971021 (cited by Labcorp Genetics (formerly Invitae), Labcorp and Counsyl); PubMed 25144890 (cited by Counsyl).

NM_001370658.1(BTD):c.674G>A (p.Cys225Tyr)

Gene: BTD (biotinidase; plus strand). Cytogenetic location: 3p25.1.
Variant type: single nucleotide variant.
Coding change: c.674G>A on transcript NM_001370658.1 (MANE Select); coding-DNA position 674, G replaced by A.
Protein change: p.Cys225Tyr; replaces cysteine 225 with tyrosine.
Molecular consequence: missense variant. On other transcripts: intron variant (1).
Genome position (GRCh38, 1-based): chr3:15,644,590, G>A. VCF-style: chr3-15644590-G-A. GRCh37 (hg19) VCF-style: chr3-15686097-G-A.
Other names: C245Y; c.734G>A, p.Cys245Tyr (NM_000060.4); c.674G>A, p.Cys225Tyr (NM_001281723.4, NM_001281724.3, NM_001281725.3 and 18 more transcripts); c.399+2533G>A (NM_001370753.1); short protein forms C225Y.
Identifiers: ClinVar variation 38281 (VCV000038281.26), dbSNP rs397507175, ClinGen allele CA278252.
Genomic context (GRCh38, chr3:15,644,590, plus strand): 5'-TTAAAGTGGATCTCATCACCTTTGATACCCCCTTTGCTGGCAGGTTTGGCATCTTCACAT[G>A]CTTTGATATATTGTTCTTTGACCCTGCCATCAGAGTCCTCAGAGACTACAAGGTGAAGCA-3'
Protein context (NP_001357587.1, residues 215-235): PFAGRFGIFT[Cys225Tyr]FDILFFDPAI